The following is an entry in ClinVar:

ClinVar aggregate classification (germline): Conflicting classifications of pathogenicity. Review status: criteria provided, conflicting classifications (1 of 4 stars). 3 submissions from 3 submitters: Uncertain significance (1); Likely benign (2). Last evaluated 2025-10-18.

Conditions:
Neutropenia, severe congenital, 2, autosomal dominant. Identifiers: Orphanet 486, MedGen C2751288, MONDO:0013139, OMIM 613107.

Allele frequency attached by ClinVar (database versions not stated): TOPMed 0.00002; gnomAD 0.00007; gnomAD exomes 0.00012 and 0.00028; ExAC 0.00055; 1000 Genomes Project 30x 0.00078.
gnomAD v4.1: 177 of 1,575,576 alleles (0.011%); highest among the groups gnomAD compares: South Asian, 0.2%; 4 homozygotes.

Submissions (3):

Labcorp Genetics (formerly Invitae), Labcorp
Classification: Likely benign for Neutropenia, severe congenital, 2, autosomal dominant. Last evaluated: 2025-10-18. Review status: criteria provided, single submitter. Criteria: Invitae Variant Classification Sherloc (09022015). Collection method: clinical testing. Allele origin: germline.

Ambry Genetics
Classification: Uncertain significance. Last evaluated: 2024-12-06. Review status: criteria provided, single submitter. Criteria: Ambry Variant Classification Scheme 2023. Collection method: clinical testing. Allele origin: germline.
Comment: The p.A191V variant (also known as c.572C>T), located in coding exon 3 of the GFI1 gene, results from a C to T substitution at nucleotide position 572. The alanine at codon 191 is replaced by valine, an amino acid with similar properties. This amino acid position is conserved. In addition, this alteration is predicted to be tolerated by in silico analysis. Based on the available evidence, the clinical significance of this variant remains unclear.

Blueprint Genetics
Classification: Likely benign. Last evaluated: 2023-12-19. Review status: criteria provided, single submitter. Criteria: ACMG Guidelines, 2015. Collection method: clinical testing. Allele origin: germline.

NM_005263.5(GFI1):c.572C>T (p.Ala191Val)

Gene: GFI1 (growth factor independent 1 transcriptional repressor; minus strand). Cytogenetic location: 1p22.1.
Variant type: single nucleotide variant.
Coding change: c.572C>T on transcript NM_005263.5 (MANE Select); coding-DNA position 572, C replaced by T.
Protein change: p.Ala191Val; replaces alanine 191 with valine.
Molecular consequence: missense variant.
Genome position (GRCh38, 1-based): chr1:92,480,815, G>A on the plus strand (C>T on the coding strand, the complement: GFI1 is on the minus strand). VCF-style: chr1-92480815-G-A. GRCh37 (hg19) VCF-style: chr1-92946372-G-A.
Other names: c.572C>T, p.Ala191Val (NM_001127215.3, NM_001127216.3); c.572C>T (NM_005263.3); short protein forms A191V.
Identifiers: ClinVar variation 1103060 (VCV001103060.11), dbSNP rs758542203, ClinGen allele CA951360.